The following is an entry in ClinVar:

ClinVar aggregate classification (germline): Uncertain significance. Review status: criteria provided, multiple submitters, no conflicts (2 of 4 stars). 2 submissions from 2 submitters: Uncertain significance (2). Last evaluated 2024-11-12.

Conditions:
Hypertrophic cardiomyopathy 14. Identifiers: MedGen C2750467, MONDO:0013197, OMIM 613251.

Submissions (2):

GeneDx
Classification: Uncertain significance. Last evaluated: 2024-11-12. Review status: criteria provided, single submitter. Criteria: GeneDx Variant Classification Process June 2021. Collection method: clinical testing. Allele origin: germline. Affected: yes.
Comment: Not observed at significant frequency in large population cohorts (gnomAD); In silico analysis supports that this missense variant has a deleterious effect on protein structure/function; Has not been previously published as pathogenic or benign to our knowledge

Labcorp Genetics (formerly Invitae), Labcorp
Classification: Uncertain significance for Hypertrophic cardiomyopathy 14. Last evaluated: 2018-02-01. Review status: criteria provided, single submitter. Criteria: Invitae Variant Classification Sherloc (09022015). Collection method: clinical testing. Allele origin: germline.
Comment: This sequence change replaces threonine with asparagine at codon 236 of the MYH6 protein (p.Thr236Asn). The threonine residue is weakly conserved and there is a small physicochemical difference between threonine and asparagine. In summary, the available evidence is currently insufficient to determine the role of this variant in disease. Therefore, it has been classified as a Variant of Uncertain Significance. Algorithms developed to predict the effect of missense changes on protein structure and function do not agree on the potential impact of this missense change (SIFT: "Deleterious"; PolyPhen-2: "Probably Damaging"; Align-GVGD: "Class C0"). This variant has not been reported in the literature in individuals with MYH6-related disease. This variant is not present in population databases (ExAC no frequency).

NM_002471.4(MYH6):c.707C>A (p.Thr236Asn)

Gene: MYH6 (myosin heavy chain 6; minus strand). Cytogenetic location: 14q11.2.
Variant type: single nucleotide variant.
Coding change: c.707C>A on transcript NM_002471.4 (MANE Select); coding-DNA position 707, C replaced by A.
Protein change: p.Thr236Asn; replaces threonine 236 with asparagine.
Molecular consequence: missense variant.
Genome position (GRCh38, 1-based): chr14:23,404,324, G>T on the plus strand (C>A on the coding strand, the complement: MYH6 is on the minus strand). VCF-style: chr14-23404324-G-T. GRCh37 (hg19) VCF-style: chr14-23873533-G-T.
Other names: short protein forms T236N.
Identifiers: ClinVar variation 570280 (VCV000570280.9), dbSNP rs1566515919, ClinGen allele CA389028969.
Genomic context (GRCh38, chr14:23,404,324, plus strand): 5'-TGAGGCCACTGGGAGTGGTCAAAGGCACTCACAAAGCGGGAGGAGTTGTCGTTCCGGACA[G>T]TCTTGGCATTGCCGAAGGCCTCCAGAGCGGGGTTGGCCTGGATGATCTGGTCCTCCAGGG-3'
Protein context (NP_002462.2, residues 226-246): PALEAFGNAK[Thr236Asn]VRNDNSSRFG